The following is an entry in ClinVar:

ClinVar aggregate classification (germline): Likely benign (1 of 4 stars; one submission).

gnomAD v4.1: 1 of 1,521,778 alleles (0.000066%); highest among the groups gnomAD compares: Non-Finnish European, 0.000089%; no homozygotes.

Submission:

CeGaT Center for Human Genetics Tuebingen
Classification: Likely benign. Last evaluated: 2026-09-01. Review status: criteria provided, single submitter. Criteria: CeGaT Center For Human Genetics Tuebingen Variant Classification Criteria Version 2. Collection method: clinical testing. Allele origin: germline. Affected: yes. Observed: 1 variant allele.
Comment: TRAK1: BP4, BP7

NM_001042646.3(TRAK1):c.1497G>A (p.Leu499=)

Gene: TRAK1 (trafficking kinesin protein 1; plus strand). Cytogenetic location: 3p22.1.
Variant type: single nucleotide variant.
Coding change: c.1497G>A on transcript NM_001042646.3 (MANE Select); coding-DNA position 1497, G replaced by A.
Protein change: p.Leu499=; no amino-acid change (leucine 499 retained).
Molecular consequence: synonymous variant. On other transcripts: non-coding transcript variant (1).
Genome position (GRCh38, 1-based): chr3:42,202,505, G>A. VCF-style: chr3-42202505-G-A. GRCh37 (hg19) VCF-style: chr3-42243997-G-A.
Other names: c.1497G>A, p.Leu499= (NM_001265608.2, NM_001349246.2, NM_001349247.2); c.1275G>A, p.Leu425= (NM_001265609.2, NM_001265610.1, NM_001349248.1 and 1 more transcripts); c.1185G>A, p.Leu395= (NM_001349245.1); c.1323G>A, p.Leu441= (NM_001410741.1, NM_014965.5).
Identifiers: ClinVar variation 5041393 (VCV005041393.1).